The following is an entry in ClinVar:

NM_001243925.2(MAPKAPK3):c.973A>G (p.Lys325Glu)

Gene: MAPKAPK3 (MAPK activated protein kinase 3; plus strand). Cytogenetic location: 3p21.2.
Variant type: single nucleotide variant.
Coding change: c.973A>G on transcript NM_001243925.2 (MANE Select); coding-DNA position 973, A replaced by G.
Protein change: p.Lys325Glu; replaces lysine 325 with glutamic acid.
Molecular consequence: missense variant.
Genome position (GRCh38, 1-based): chr3:50,647,180, A>G. VCF-style: chr3-50647180-A-G. GRCh37 (hg19) VCF-style: chr3-50684611-A-G.
Other names: c.973A>G, p.Lys325Glu (NM_001243926.2, NM_004635.5); short protein forms K325E.
Identifiers: ClinVar variation 1359034 (VCV001359034.6), dbSNP rs368455680, ClinGen allele CA2420443.

ClinVar aggregate classification (germline): Uncertain significance (1 of 4 stars; one submission).

Allele frequency attached by ClinVar (database versions not stated): gnomAD exomes below 0.00001 and 0.00001; ExAC 0.00005; TOPMed 0.00005; gnomAD 0.00007; ESP Exome Variant Server 0.00008.

Submission:

Labcorp Genetics (formerly Invitae), Labcorp
Classification: Uncertain significance. Last evaluated: 2025-08-14. Review status: criteria provided, single submitter. Criteria: Invitae Variant Classification Sherloc (09022015). Collection method: clinical testing. Allele origin: germline.
Comment: This sequence change replaces lysine, which is basic and polar, with glutamic acid, which is acidic and polar, at codon 325 of the MAPKAPK3 protein (p.Lys325Glu). This variant is present in population databases (rs368455680, gnomAD 0.01%). This variant has not been reported in the literature in individuals affected with MAPKAPK3-related conditions. ClinVar contains an entry for this variant (Variation ID: 1359034). An algorithm developed to predict the effect of missense changes on protein structure and function (PolyPhen-2) suggests that this variant is likely to be tolerated. In summary, the available evidence is currently insufficient to determine the role of this variant in disease. Therefore, it has been classified as a Variant of Uncertain Significance.